The following is an entry in ClinVar:

NM_000059.4(BRCA2):c.245_246del (p.Lys82fs)

Gene: BRCA2 (BRCA2 DNA repair associated; plus strand). Cytogenetic location: 13q13.1.
Variant type: Deletion.
Coding change: c.245_246del on transcript NM_000059.4 (MANE Select); coding-DNA positions 245 to 246, 2 bases deleted (AA; older notation c.245_246delAA).
Protein change: p.Lys82fs; shifts the reading frame from lysine 82.
Molecular consequence: frameshift variant. On other transcripts: 5 prime UTR variant (1), non-coding transcript variant (1).
Genome position (GRCh38, 1-based): chr13:32,319,254-32,319,255, AA deleted; deleting any 2 consecutive bases within chr13:32,319,253-32,319,255 gives the same sequence; the c. name uses the placement nearest the transcript's 3' end. VCF-style (leftmost placement, unchanged base first): chr13-32319252-CAA-C. GRCh37 (hg19) VCF-style: chr13-32893389-CAA-C.
Other names: c.245_246delAA (NM_000059.4); c.245_246del, p.Lys82fs (NM_001406719.1, NM_001406720.1, NM_001406721.1 and 1 more transcripts); c.-125_-124del (NM_001406722.1); short protein forms K82fs.
Identifiers: ClinVar variation 4848310 (VCV004848310.1).

ClinVar aggregate classification (germline): Pathogenic (1 of 4 stars; one submission).

Conditions:
Hereditary breast ovarian cancer syndrome. Also called: BRCA1- and BRCA2-Associated Hereditary Breast and Ovarian Cancer; Breast and ovarian cancer; Hereditary breast and ovarian cancer syndrome; Hereditary breast and ovarian cancer syndrome (HBOC); Hereditary breast and/or ovarian cancer syndrome; Hereditary breast and ovarian cancer. Identifiers: Orphanet 145, MedGen C0677776, MeSH D061325, MONDO:0003582. Disease mechanism: loss of function.

Submission:

Women's Health and Genetics/Laboratory Corporation of America, LabCorp
Classification: Pathogenic for Hereditary breast ovarian cancer syndrome. Last evaluated: 2026-02-17. Review status: criteria provided, single submitter. Criteria: LabCorp Variant Classification Summary - May 2015. Collection method: clinical testing. Allele origin: germline.
Comment: Variant summary: BRCA2 c.245_246delAA (p.Lys82ArgfsX18) results in a premature termination codon, predicted to cause a truncation of the encoded protein or absence of the protein due to nonsense mediated decay, which are commonly known mechanisms for disease. The variant was absent in 251364 control chromosomes. To our knowledge, no occurrence of c.245_246delAA in individuals affected with BRCA2-related conditions and no experimental evidence demonstrating its impact on protein function have been reported. No submitters have cited clinical-significance assessments for this variant to ClinVar. Based on the evidence outlined above, the variant was classified as pathogenic.